The following is an entry in ClinVar:

ClinVar aggregate classification (germline): Uncertain significance. Review status: criteria provided, single submitter (1 of 4 stars). 2 submissions from 2 submitters: Uncertain significance (1). 1 of the submissions does not count toward it. Last evaluated 2021-08-31.

Conditions:
Late-infantile neuronal ceroid lipofuscinosis. Also called: Jansky-Bielschowsky disease. Identifiers: MedGen C0022340, MONDO:0015674.
Neuronal ceroid lipofuscinosis 7 (CLN7). Also called: MFSD8-Related Neuronal Ceroid-Lipofuscinosis. Identifiers: Orphanet 168491, Orphanet 228366, MedGen C1838571, MONDO:0012588, OMIM 610951.

gnomAD v4.1: 14 of 1,613,974 alleles (0.00087%); highest among the groups gnomAD compares: Non-Finnish European, 0.0012%; no homozygotes.

Submissions (2):

Labcorp Genetics (formerly Invitae), Labcorp
Classification: Uncertain significance for Neuronal ceroid lipofuscinosis 7. Last evaluated: 2021-08-31. Review status: criteria provided, single submitter. Criteria: Invitae Variant Classification Sherloc (09022015). Collection method: clinical testing. Allele origin: germline.
Comment: This sequence change replaces leucine with phenylalanine at codon 13 of the MFSD8 protein (p.Leu13Phe). The leucine residue is moderately conserved and there is a small physicochemical difference between leucine and phenylalanine. This variant is not present in population databases (ExAC no frequency). This variant has not been reported in the literature in individuals affected with MFSD8-related conditions. ClinVar contains an entry for this variant (Variation ID: 568268). Algorithms developed to predict the effect of missense changes on protein structure and function are either unavailable or do not agree on the potential impact of this missense change (SIFT: "Deleterious"; PolyPhen-2: "Possibly Damaging"; Align-GVGD: "Class C0"). In summary, the available evidence is currently insufficient to determine the role of this variant in disease. Therefore, it has been classified as a Variant of Uncertain Significance.

Natera, Inc.
Classification: Uncertain significance for Late-infantile neuronal ceroid lipofuscinosis. Last evaluated: 2020-08-29. Review status: no assertion criteria provided. Collection method: clinical testing. Allele origin: germline. Not counted in ClinVar's aggregate classification.

NM_001371596.2(MFSD8):c.37C>T (p.Leu13Phe)

Gene: MFSD8 (major facilitator superfamily domain containing 8; minus strand). Cytogenetic location: 4q28.2.
Variant type: single nucleotide variant.
Coding change: c.37C>T on transcript NM_001371596.2 (MANE Select); coding-DNA position 37, C replaced by T.
Protein change: p.Leu13Phe; replaces leucine 13 with phenylalanine.
Molecular consequence: missense variant. On other transcripts: 5 prime UTR variant (1), intron variant (2).
Genome position (GRCh38, 1-based): chr4:127,965,097, G>A on the plus strand (C>T on the coding strand, the complement: MFSD8 is on the minus strand). VCF-style: chr4-127965097-G-A. GRCh37 (hg19) VCF-style: chr4-128886252-G-A.
Other names: c.37C>T, p.Leu13Phe (NM_001363520.3, NM_001363521.3, NM_001371591.2 and 5 more transcripts); c.-97C>T (NM_001371595.1); c.-74+800C>T (NM_001410765.1, NM_001371590.2); short protein forms L13F.
Identifiers: ClinVar variation 568268 (VCV000568268.6), dbSNP rs150892838, ClinGen allele CA105647709.